The following is an entry in ClinVar:

NM_001148.6(ANK2):c.11709del (p.Ile3904fs)

Gene: ANK2 (ankyrin 2; plus strand). Cytogenetic location: 4q26.
Variant type: Deletion.
Coding change: c.11709del on transcript NM_001148.6 (MANE Select); coding-DNA position 11709, one base deleted (C; older notation c.11709delC).
Protein change: p.Ile3904fs; shifts the reading frame from isoleucine 3904.
Molecular consequence: frameshift variant. On other transcripts: intron variant (9).
Genome position (GRCh38, 1-based): chr4:113,373,299, C deleted. VCF-style (leftmost placement, unchanged base first): chr4-113373298-TC-T. GRCh37 (hg19) VCF-style: chr4-114294454-TC-T.
Other names: c.5427del, p.Ile1810fs (NM_001127493.3); c.5466del, p.Ile1823fs (NM_001354225.2); c.5448del, p.Ile1817fs (NM_001354228.2); c.5433del, p.Ile1812fs (NM_001354230.2); c.5589del, p.Ile1864fs (NM_001354231.2); c.5583del, p.Ile1862fs (NM_001354232.2); c.5544del, p.Ile1849fs (NM_001354235.2); c.5352del, p.Ile1785fs (NM_001354236.2); and 50 more; short protein forms I1002fs, I1007fs, I1658fs, I1691fs, I1719fs, I1724fs, I1732fs, I1741fs.
Identifiers: ClinVar variation 3068452 (VCV003068452.2), dbSNP rs2508474847, ClinGen allele CA2825001280.

ClinVar aggregate classification (germline): Likely benign (1 of 4 stars; one submission).

Conditions:
ANK2-associated Neurodevelopmental Disorder.

Submission:

Institute of Human Genetics, University of Leipzig Medical Center
Classification: Likely benign for ANK2-associated neurodevelopmental disorder. Last evaluated: 2023-11-28. Review status: criteria provided, single submitter. Criteria: ACMG Guidelines, 2015. Collection method: clinical testing. Allele origin: paternal. Inheritance: Autosomal dominant inheritance. Affected: yes.
Comment: Criteria applied: PVS1_MOD,PM2_SUP,BS2